The following is an entry in ClinVar:

NM_002693.3(POLG):c.3643+1G>A

Gene: POLG (DNA polymerase gamma, catalytic subunit; minus strand). Cytogenetic location: 15q26.1.
Variant type: single nucleotide variant.
Coding change: c.3643+1G>A on transcript NM_002693.3 (MANE Select); the canonical splice donor site of the intron after coding-DNA position 3643, G replaced by A.
Molecular consequence: splice donor variant.
Genome position (GRCh38, 1-based): chr15:89,317,375, C>T on the plus strand (G>A on the coding strand, the complement: POLG is on the minus strand). VCF-style: chr15-89317375-C-T. GRCh37 (hg19) VCF-style: chr15-89860606-C-T.
Other names: c.3643+1G>A (NM_001126131.2).
Identifiers: ClinVar variation 2677947 (VCV002677947.6), dbSNP rs1326779034, ClinGen allele CA393747172.
Genomic context (GRCh38, chr15:89,317,375, plus strand): 5'-ACCCACTTTCTAGTCCACCTCAGATCCTATGTGTAATGAGGAACAAATGTGTTGTGCTCA[C>T]CCTGGGGAATCCCGTATCTCCTTTCCATCCCAGTTGGGTTGGAAGGGGTTTTACAATCCA-3'

ClinVar aggregate classification (germline): Pathogenic/Likely pathogenic. Review status: criteria provided, multiple submitters, no conflicts (2 of 4 stars). 3 submissions from 3 submitters: Pathogenic (2); Likely pathogenic (1). Last evaluated 2024-04-30.

Conditions:
Progressive sclerosing poliodystrophy (MTDPS4A). Also called: ALPERS PROGRESSIVE INFANTILE POLIODYSTROPHY; NEURONAL DEGENERATION OF CHILDHOOD WITH LIVER DISEASE, PROGRESSIVE; Mitochondrial DNA depletion syndrome 4A (Alpers type); Mitochondrial DNA Depletion Syndrome 4A; Alpers-Huttenlocher Syndrome (AHS); Alpers Syndrome. Identifiers: Orphanet 726, MedGen C0205710, MONDO:0008758, OMIM 203700.
Mitochondrial DNA depletion syndrome 1. Also called: Mitochondrial neurogastrointestinal encephalomyopathy syndrome; POLIP SYNDROME; POLYNEUROPATHY, OPHTHALMOPLEGIA, LEUKOENCEPHALOPATHY, AND INTESTINAL PSEUDOOBSTRUCTION; Mitochondrial Neurogastrointestinal Encephalopathy Disease; MITOCHONDRIAL NEUROGASTROINTESTINAL ENCEPHALOPATHY SYNDROME, TYMP-RELATED; MNGIE, TYMP-RELATED. Identifiers: Orphanet 298, MedGen C4551995, MONDO:0011283, OMIM 603041.
Mitochondrial DNA depletion syndrome 4b. Also called: Mitochondrial Neurogastrointestinal Encephalopathy Disease, POLG-Related; MNGIE, POLG-RELATED. Identifiers: Orphanet 298, MedGen C3150914, MONDO:0013350, OMIM 613662.
Progressive external ophthalmoplegia with mitochondrial DNA deletions, autosomal recessive 1 (PEOB1). Also called: Progressive external ophthalmoplegia, autosomal recessive 1; Autosomal Recessive Progressive External Ophthalmoplegia (arPEO). Identifiers: Orphanet 254886, MedGen C4225153, MONDO:0009783, OMIM 258450.
Progressive external ophthalmoplegia with mitochondrial DNA deletions, autosomal dominant 1 (PEOA1). Also called: PROGRESSIVE EXTERNAL OPHTHALMOPLEGIA, AUTOSOMAL DOMINANT 1; Autosomal Dominant Progressive External Ophthalmoplegia (adPEO). Identifiers: MedGen C1834846, MONDO:0024528, OMIM 157640.
Sensory ataxic neuropathy, dysarthria, and ophthalmoparesis (SANDO). Also called: Sensory ataxic neuropathy-dysarthria-ophthalmoparesis syndrome; Epilepsy, progressive myoclonic, type 5; SENSORY ATAXIC NEUROPATHY WITH MITOCHONDRIAL DNA DELETIONS, AUTOSOMAL RECESSIVE; Ataxia Neuropathy Spectrum (ANS). Identifiers: Orphanet 70595, MedGen C1843851, MONDO:0011835, OMIM 607459.

Allele frequency attached by ClinVar (database versions not stated): gnomAD exomes below 0.00001.

Submissions (3):

Labcorp Genetics (formerly Invitae), Labcorp
Classification: Pathogenic for Progressive sclerosing poliodystrophy. Last evaluated: 2024-04-30. Review status: criteria provided, single submitter. Criteria: Invitae Variant Classification Sherloc (09022015). Collection method: clinical testing. Allele origin: germline.
Comment: This sequence change affects a donor splice site in intron 22 of the POLG gene. RNA analysis indicates that disruption of this splice site induces altered splicing and likely disrupts the C-terminus of the protein. This variant is present in population databases (no rsID available, gnomAD 0.006%). Disruption of this splice site has been observed in individual(s) with clinical features of POLG-related conditions and/or POLG-related conditions (PMID: 19500334, 20691285, 31359948). In at least one individual the data is consistent with being in trans (on the opposite chromosome) from a pathogenic variant. Variants that disrupt the consensus splice site are a relatively common cause of aberrant splicing (PMID: 17576681, 9536098). Studies have shown that disruption of this splice site results in skipping of exon 22 and introduces a new termination codon (PMID: 20691285). However the mRNA is not expected to undergo nonsense-mediated decay. For these reasons, this variant has been classified as Pathogenic.

Baylor Genetics
Classification: Pathogenic for Progressive sclerosing poliodystrophy. Last evaluated: 2024-01-31. Review status: criteria provided, single submitter. Criteria: ACMG Guidelines, 2015. Collection method: clinical testing. Allele origin: unknown.

Department of Pathology and Laboratory Medicine, Sinai Health System
Classification: Likely pathogenic for Sensory ataxic neuropathy, dysarthria, and ophthalmoparesis; Mitochondrial DNA depletion syndrome 4b; Progressive sclerosing poliodystrophy; Mitochondrial DNA depletion syndrome 1; Progressive external ophthalmoplegia with mitochondrial DNA deletions, autosomal recessive 1; Progressive external ophthalmoplegia with mitochondrial DNA deletions, autosomal dominant 1. Last evaluated: 2023-10-10. Review status: criteria provided, single submitter. Criteria: ACMG Guidelines, 2015. Collection method: research. Allele origin: germline.

Literature cited by the submitters: PubMed 19500334 (cited by Labcorp Genetics (formerly Invitae), Labcorp); PubMed 20691285 (cited by Labcorp Genetics (formerly Invitae), Labcorp); PubMed 31359948 (cited by Labcorp Genetics (formerly Invitae), Labcorp); PubMed 17576681 (cited by Labcorp Genetics (formerly Invitae), Labcorp); PubMed 9536098 (cited by Labcorp Genetics (formerly Invitae), Labcorp).